The following is an entry in ClinVar:

ClinVar aggregate classification (germline): Uncertain significance. Review status: criteria provided, multiple submitters, no conflicts (2 of 4 stars). 2 submissions from 2 submitters: Uncertain significance (2). Last evaluated 2022-04-08.

Conditions:
Short QT syndrome type 1. Identifiers: Orphanet 51083, MedGen C1865020, MONDO:0012312, OMIM 609620.
Long QT syndrome 2 (LQT2). Identifiers: Orphanet 101016, Orphanet 768, MedGen C3150943, MONDO:0013367, OMIM 613688.
Long QT syndrome (LQTS). Identifiers: MedGen C0023976, MeSH D008133, MONDO:0002442. Disease mechanism: loss of function. Inheritance: Various modes of inheritance.

Submissions (2):

Labcorp Genetics (formerly Invitae), Labcorp
Classification: Uncertain significance for Long QT syndrome. Last evaluated: 2022-04-08. Review status: criteria provided, single submitter. Criteria: Invitae Variant Classification Sherloc (09022015). Collection method: clinical testing. Allele origin: germline.
Comment: This sequence change replaces leucine, which is neutral and non-polar, with phenylalanine, which is neutral and non-polar, at codon 1136 of the KCNH2 protein (p.Leu1136Phe). This variant is not present in population databases (gnomAD no frequency). This variant has not been reported in the literature in individuals affected with KCNH2-related conditions. ClinVar contains an entry for this variant (Variation ID: 1035669). Algorithms developed to predict the effect of missense changes on protein structure and function are either unavailable or do not agree on the potential impact of this missense change (SIFT: "Tolerated"; PolyPhen-2: "Possibly Damaging"; Align-GVGD: "Class C0"). In summary, the available evidence is currently insufficient to determine the role of this variant in disease. Therefore, it has been classified as a Variant of Uncertain Significance.

Fulgent Genetics
Classification: Uncertain significance for Short QT syndrome type 1; Long QT syndrome 2. Last evaluated: 2021-07-05. Review status: criteria provided, single submitter. Criteria: ACMG Guidelines, 2015. Collection method: clinical testing. Allele origin: unknown.

NM_000238.4(KCNH2):c.3406C>T (p.Leu1136Phe)

Gene: KCNH2 (potassium voltage-gated channel subfamily H member 2; minus strand). Cytogenetic location: 7q36.1.
Variant type: single nucleotide variant.
Coding change: c.3406C>T on transcript NM_000238.4 (MANE Select); coding-DNA position 3406, C replaced by T.
Protein change: p.Leu1136Phe; replaces leucine 1136 with phenylalanine.
Molecular consequence: missense variant.
Genome position (GRCh38, 1-based): chr7:150,945,439, G>A on the plus strand (C>T on the coding strand, the complement: KCNH2 is on the minus strand). VCF-style: chr7-150945439-G-A. GRCh37 (hg19) VCF-style: chr7-150642527-G-A.
Other names: c.2386C>T, p.Leu796Phe (NM_172057.3); short protein forms L1136F, L796F.
Identifiers: ClinVar variation 1035669 (VCV001035669.11), dbSNP rs1344656004, ClinGen allele CA369851481.